The following is an entry in ClinVar:

NM_014846.4(WASHC5):c.778G>A (p.Val260Met)

Gene: WASHC5 (WASH complex subunit 5; minus strand). Cytogenetic location: 8q24.13.
Variant type: single nucleotide variant.
Coding change: c.778G>A on transcript NM_014846.4 (MANE Select); coding-DNA position 778, G replaced by A.
Protein change: p.Val260Met; replaces valine 260 with methionine.
Molecular consequence: missense variant.
Genome position (GRCh38, 1-based): chr8:125,076,434, C>T on the plus strand (G>A on the coding strand, the complement: WASHC5 is on the minus strand). VCF-style: chr8-125076434-C-T. GRCh37 (hg19) VCF-style: chr8-126088676-C-T.
Other names: p.Val260Met; c.334G>A, p.Val112Met (NM_001330609.2); short protein forms V112M, V260M.
Identifiers: ClinVar variation 2085762 (VCV002085762.5), dbSNP rs757403142, ClinGen allele CA4874008.
Genomic context (GRCh38, chr8:125,076,434, plus strand): 5'-CTATCTCTCTCATTTTTGCTTGATGGGTGTGAAGGATGGAAGGCTCAAAGTAGAGAATCA[C>T]GTACAGCATGGCAGCTTGGTTTGCCAGGGCTGTGCTGCGATGCTCCGGCAAAGGATACGC-3'
Protein context (NP_055661.3, residues 250-270): ALANQAAMLY[Val260Met]ILYFEPSILH

ClinVar aggregate classification (germline): Uncertain significance. Review status: criteria provided, multiple submitters, no conflicts (2 of 4 stars). 2 submissions from 2 submitters: Uncertain significance (2). Last evaluated 2025-08-28.

Conditions:
Hereditary spastic paraplegia 8 (SPG8). Also called: SPASTIC PARAPLEGIA 8, AUTOSOMAL DOMINANT. Identifiers: Orphanet 100989, MedGen C1863704, MONDO:0011339, OMIM 603563.
Ritscher-Schinzel syndrome. Also called: CRANIOCEREBELLOCARDIAC DYSPLASIA. Identifiers: Orphanet 7, MedGen C0796137, MONDO:0019078.

Allele frequency attached by ClinVar (database versions not stated): ExAC 0.00003; TOPMed 0.00001; gnomAD exomes 0.00002; gnomAD 0.00003.
gnomAD v4.1: 39 of 1,613,876 alleles (0.0024%); highest among the groups gnomAD compares: Admixed American, 0.0067%; no homozygotes.

Submissions (2):

Mayo Clinic Laboratories, Mayo Clinic
Classification: Uncertain significance. Last evaluated: 2025-08-28. Review status: criteria provided, single submitter. Criteria: ACMG Guidelines, 2015. Collection method: clinical testing. Allele origin: germline. Observed: 1 variant allele.
Comment: PP3_moderate

Labcorp Genetics (formerly Invitae), Labcorp
Classification: Uncertain significance for Ritscher-Schinzel syndrome; Hereditary spastic paraplegia 8. Last evaluated: 2024-10-14. Review status: criteria provided, single submitter. Criteria: Invitae Variant Classification Sherloc (09022015). Collection method: clinical testing. Allele origin: germline.
Comment: This sequence change replaces valine, which is neutral and non-polar, with methionine, which is neutral and non-polar, at codon 260 of the WASHC5 protein (p.Val260Met). This variant is present in population databases (rs757403142, gnomAD 0.01%). This variant has not been reported in the literature in individuals affected with WASHC5-related conditions. ClinVar contains an entry for this variant (Variation ID: 2085762). Invitae Evidence Modeling of protein sequence and biophysical properties (such as structural, functional, and spatial information, amino acid conservation, physicochemical variation, residue mobility, and thermodynamic stability) has been performed for this missense variant. However, the output from this modeling did not meet the statistical confidence thresholds required to predict the impact of this variant on WASHC5 protein function. In summary, the available evidence is currently insufficient to determine the role of this variant in disease. Therefore, it has been classified as a Variant of Uncertain Significance.